The following is an entry in ClinVar:

NM_015114.3(ANKLE2):c.2809G>A (p.Ala937Thr)

Gene: ANKLE2 (ankyrin repeat and LEM domain containing 2; minus strand). Cytogenetic location: 12q24.33.
Variant type: single nucleotide variant.
Coding change: c.2809G>A on transcript NM_015114.3 (MANE Select); coding-DNA position 2809, G replaced by A.
Protein change: p.Ala937Thr; replaces alanine 937 with threonine.
Molecular consequence: missense variant.
Genome position (GRCh38, 1-based): chr12:132,727,250, C>T on the plus strand (G>A on the coding strand, the complement: ANKLE2 is on the minus strand). VCF-style: chr12-132727250-C-T. GRCh37 (hg19) VCF-style: chr12-133303836-C-T.
Other names: short protein forms A937T.
Identifiers: ClinVar variation 755265 (VCV000755265.5), dbSNP rs114394359, ClinGen allele CA6895100.
Genomic context (GRCh38, chr12:132,727,250, plus strand): 5'-TGACCCTTCCTTCTTTAAAAATGAAGAACAAACCGAGAGCCCAGCGCCAAGCCTACAGGG[C>T]GGCAAGCTCAGCCAGGCGCGCCATCCTGCGGAGCTGGCTCCCGTGCACGGGGCTGTAGCG-3'
Protein context (NP_055929.1, residues 927-938): RRMARLAELA[Ala937Thr]L

ClinVar aggregate classification (germline): Likely benign. Review status: criteria provided, single submitter (1 of 4 stars). 2 submissions from 2 submitters: Likely benign (1). 1 of the submissions does not count toward it. Last evaluated 2018-07-05.

Conditions:
ANKLE2-related disorder. Also called: ANKLE2-related condition.

Allele frequency attached by ClinVar (database versions not stated): gnomAD exomes 0.00016 and 0.00030; ESP Exome Variant Server 0.00076; ExAC 0.00096; gnomAD 0.00124; TOPMed 0.00161; 1000 Genomes Project 30x 0.00219; 1000 Genomes Project 0.00220.

Submissions (2):

Labcorp Genetics (formerly Invitae), Labcorp
Classification: Likely benign. Last evaluated: 2018-07-05. Review status: criteria provided, single submitter. Criteria: Invitae Variant Classification Sherloc (09022015). Collection method: clinical testing. Allele origin: germline.

PreventionGenetics, part of Exact Sciences
Classification: Likely benign for ANKLE2-related condition. Last evaluated: 2022-08-30. Review status: no assertion criteria provided. Collection method: clinical testing. Allele origin: germline. Not counted in ClinVar's aggregate classification.
Comment: This variant is classified as likely benign based on ACMG/AMP sequence variant interpretation guidelines (Richards et al. 2015 PMID: 25741868, with internal and published modifications).